The following is an entry in ClinVar:

NM_177402.5(SYT2):c.956A>G (p.Lys319Arg)

Gene: SYT2 (synaptotagmin 2; minus strand). Cytogenetic location: 1q32.1.
Variant type: single nucleotide variant.
Coding change: c.956A>G on transcript NM_177402.5 (MANE Select); coding-DNA position 956, A replaced by G.
Protein change: p.Lys319Arg; replaces lysine 319 with arginine.
Molecular consequence: missense variant.
Genome position (GRCh38, 1-based): chr1:202,599,315, T>C on the plus strand (A>G on the coding strand, the complement: SYT2 is on the minus strand). VCF-style: chr1-202599315-T-C. GRCh37 (hg19) VCF-style: chr1-202568443-T-C.
Other names: c.956A>G, p.Lys319Arg (NM_001136504.1); short protein forms K319R.
Identifiers: ClinVar variation 3253114 (VCV003253114.2), dbSNP rs2526951234.

ClinVar aggregate classification (germline): Uncertain significance (1 of 4 stars; one submission).

Conditions:
SYT2-related myasthenia.

Submission:

GeneDx
Classification: Uncertain significance. Last evaluated: 2024-02-20. Review status: criteria provided, single submitter. Criteria: GeneDx Variant Classification Process June 2021. Collection method: clinical testing. Allele origin: germline. Affected: yes.
Comment: Not observed at significant frequency in large population cohorts (gnomAD); In silico analysis supports that this missense variant has a deleterious effect on protein structure/function; Has not been previously published as pathogenic or benign to our knowledge